The following is an entry in ClinVar:

ClinVar aggregate classification (germline): Benign/Likely benign. Review status: criteria provided, multiple submitters, no conflicts (2 of 4 stars). 9 submissions from 9 submitters: Benign (1); Likely benign (5). 3 of the submissions do not count toward it. Last evaluated 2026-02-02.

Conditions:
Congenital hyperammonemia, type I. Also called: Carbamoyl-phosphate synthase I deficiency; CPS I DEFICIENCY; Carbamoyl phosphate synthetase I deficiency disease; Carbamoyl phosphate synthetase 1 deficiency; Hyperammonemia due to carbamoyl phosphate synthetase 1 deficiency; CPS 1 deficiency. Identifiers: Orphanet 147, MedGen C4082171, MONDO:0009376, OMIM 237300.

Allele frequency attached by ClinVar (database versions not stated): ESP Exome Variant Server 0.00507; ExAC 0.00540; gnomAD exomes 0.00616 and 0.00463; 1000 Genomes Project 0.00180; 1000 Genomes Project 30x 0.00219; TOPMed 0.00360; gnomAD 0.00412 and 0.00424.
gnomAD v4.1: 9,499 of 1,612,698 alleles (0.59%); highest among the groups gnomAD compares: Non-Finnish European, 0.73%; 36 homozygotes.

Submissions (9):

Labcorp Genetics (formerly Invitae), Labcorp
Classification: Benign for Congenital hyperammonemia, type I. Last evaluated: 2026-02-02. Review status: criteria provided, single submitter. Criteria: Invitae Variant Classification Sherloc (09022015). Collection method: clinical testing. Allele origin: germline.

CeGaT Center for Human Genetics Tuebingen
Classification: Likely benign. Last evaluated: 2025-08-01. Review status: criteria provided, single submitter. Criteria: CeGaT Center For Human Genetics Tuebingen Variant Classification Criteria Version 2. Collection method: clinical testing. Allele origin: germline. Affected: yes. Observed: 6 variant alleles.
Comment: CPS1: BP4, BS2

Blueprint Genetics
Classification: Likely benign. Last evaluated: 2024-11-26. Review status: criteria provided, single submitter. Criteria: ACMG Guidelines, 2015. Collection method: clinical testing. Allele origin: germline.

Illumina Laboratory Services, Illumina
Classification: Likely benign for Congenital hyperammonemia, type I. Last evaluated: 2018-01-13. Review status: criteria provided, single submitter. Criteria: ICSL Variant Classification Criteria 13 December 2019. Collection method: clinical testing. Allele origin: germline.
Comment: This variant was observed in the ICSL laboratory as part of a predisposition screen in an ostensibly healthy population. It had not been previously curated by ICSL or reported in the Human Gene Mutation Database (HGMD: prior to June 1st, 2018), and was therefore a candidate for classification through an automated scoring system. Utilizing variant allele frequency, disease prevalence and penetrance estimates, and inheritance mode, an automated score was calculated to assess if this variant is too frequent to cause the disease. Based on the score and internal cut-off values, a variant classified as likely benign is not then subjected to further curation. The score for this variant resulted in a classification of likely benign for this disease.

GeneDx
Classification: Likely benign. Last evaluated: 2017-10-27. Review status: criteria provided, single submitter. Criteria: GeneDx Variant Classification (06012015). Collection method: clinical testing. Allele origin: germline. Affected: yes.
Comment: This variant is considered likely benign or benign based on one or more of the following criteria: it is a conservative change, it occurs at a poorly conserved position in the protein, it is predicted to be benign by multiple in silico algorithms, and/or has population frequency not consistent with disease.

PreventionGenetics, part of Exact Sciences
Classification: Likely benign. Review status: criteria provided, single submitter. Criteria: ACMG Guidelines, 2015. Collection method: clinical testing. Allele origin: germline.

Natera, Inc.
Classification: Benign for Carbamoyl-phosphate synthase I deficiency. Last evaluated: 2019-10-18. Review status: no assertion criteria provided. Collection method: clinical testing. Allele origin: germline. Not counted in ClinVar's aggregate classification.

Clinical Genetics DNA and cytogenetics Diagnostics Lab, Erasmus MC, Erasmus Medical Center
Classification: Likely benign. Review status: no assertion criteria provided. Collection method: clinical testing. Allele origin: germline. Affected: yes. Study: VKGL Data-share Consensus. Not counted in ClinVar's aggregate classification.

Laboratory of Diagnostic Genome Analysis, Leiden University Medical Center (LUMC)
Classification: Likely benign. Review status: no assertion criteria provided. Collection method: clinical testing. Allele origin: germline. Affected: yes. Study: VKGL Data-share Consensus. Not counted in ClinVar's aggregate classification.

NM_001875.5(CPS1):c.3481-8C>T

Gene: CPS1 (carbamoyl-phosphate synthase 1; plus strand). Cytogenetic location: 2q34.
Variant type: single nucleotide variant.
Coding change: c.3481-8C>T on transcript NM_001875.5 (MANE Select); 8 bases into the intron before coding-DNA position 3481, C replaced by T.
Molecular consequence: intron variant.
Genome position (GRCh38, 1-based): chr2:210,654,017, C>T. VCF-style: chr2-210654017-C-T. GRCh37 (hg19) VCF-style: chr2-211518741-C-T.
Other names: c.3481-8C>T (LRG_336t1, NM_001369257.1, NM_001122633.3); c.3514-8C>T (NM_001369256.1).
Identifiers: ClinVar variation 258480 (VCV000258480.64), dbSNP rs41272669, ClinGen allele CA2086966.